The following is an entry in ClinVar:

NM_003906.5(MCM3AP):c.3467G>A (p.Arg1156Lys)

Gene: MCM3AP (minichromosome maintenance complex component 3 associated protein; minus strand). Cytogenetic location: 21q22.3.
Variant type: single nucleotide variant.
Coding change: c.3467G>A on transcript NM_003906.5 (MANE Select); coding-DNA position 3467, G replaced by A.
Protein change: p.Arg1156Lys; replaces arginine 1156 with lysine.
Molecular consequence: missense variant.
Genome position (GRCh38, 1-based): chr21:46,261,280, C>T on the plus strand (G>A on the coding strand, the complement: MCM3AP is on the minus strand). VCF-style: chr21-46261280-C-T. GRCh37 (hg19) VCF-style: chr21-47681194-C-T.
Other names: short protein forms R1156K.
Identifiers: ClinVar variation 1372355 (VCV001372355.24), dbSNP rs1390465950, ClinGen allele CA410555019.

ClinVar aggregate classification (germline): Uncertain significance. Review status: criteria provided, multiple submitters, no conflicts (2 of 4 stars). 2 submissions from 2 submitters: Uncertain significance (2). Last evaluated 2024-01-01.

Allele frequency attached by ClinVar (database versions not stated): gnomAD 0.00001; TOPMed 0.00001; gnomAD exomes 0.00002.
gnomAD v4.1: 23 of 1,613,850 alleles (0.0014%); highest among the groups gnomAD compares: Non-Finnish European, 0.0019%; no homozygotes.

Submissions (2):

CeGaT Center for Human Genetics Tuebingen
Classification: Uncertain significance. Last evaluated: 2024-01-01. Review status: criteria provided, single submitter. Criteria: CeGaT Center For Human Genetics Tuebingen Variant Classification Criteria Version 2. Collection method: clinical testing. Allele origin: germline. Affected: yes. Observed: 1 variant allele.
Comment: MCM3AP: PM2, BP4

Labcorp Genetics (formerly Invitae), Labcorp
Classification: Uncertain significance. Last evaluated: 2022-01-13. Review status: criteria provided, single submitter. Criteria: Invitae Variant Classification Sherloc (09022015). Collection method: clinical testing. Allele origin: germline.
Comment: This sequence change replaces arginine, which is basic and polar, with lysine, which is basic and polar, at codon 1156 of the MCM3AP protein (p.Arg1156Lys). This variant also falls at the last nucleotide of exon 14, which is part of the consensus splice site for this exon. This variant is present in population databases (no rsID available, gnomAD 0.004%). This variant has not been reported in the literature in individuals affected with MCM3AP-related conditions. Algorithms developed to predict the effect of missense changes on protein structure and function are either unavailable or do not agree on the potential impact of this missense change (SIFT: "Deleterious"; PolyPhen-2: "Probably Damaging"; Align-GVGD: "Class C0"). Variants that disrupt the consensus splice site are a relatively common cause of aberrant splicing (PMID: 17576681, 9536098). In summary, the available evidence is currently insufficient to determine the role of this variant in disease. Therefore, it has been classified as a Variant of Uncertain Significance.

Literature cited by the submitters: PubMed 17576681 (cited by Labcorp Genetics (formerly Invitae), Labcorp); PubMed 9536098 (cited by Labcorp Genetics (formerly Invitae), Labcorp).